The following is an entry in ClinVar:

NM_001365951.3(KIF1B):c.2965C>T (p.Leu989=)

Gene: KIF1B (kinesin family member 1B; plus strand). Cytogenetic location: 1p36.22.
Variant type: single nucleotide variant.
Coding change: c.2965C>T on transcript NM_001365951.3 (MANE Select); coding-DNA position 2965, C replaced by T.
Protein change: p.Leu989=; no amino-acid change (leucine 989 retained).
Molecular consequence: synonymous variant.
Genome position (GRCh38, 1-based): chr1:10,334,560, C>T. VCF-style: chr1-10334560-C-T. GRCh37 (hg19) VCF-style: chr1-10394618-C-T.
Other names: c.2965C>T, p.Leu989= (NM_001365952.1); c.2827C>T, p.Leu943= (NM_015074.3).
Identifiers: ClinVar variation 1796511 (VCV001796511.3), dbSNP rs1557720680, ClinGen allele CA415881751.

ClinVar aggregate classification (germline): Uncertain significance (1 of 4 stars; one submission).

Allele frequency attached by ClinVar (database versions not stated): gnomAD exomes below 0.00001.
gnomAD v4.1: 4 of 1,614,108 alleles (0.00025%); highest among the groups gnomAD compares: East Asian, 0.0022%; no homozygotes.

Submission:

Ambry Genetics
Classification: Uncertain significance. Last evaluated: 2024-07-24. Review status: criteria provided, single submitter. Criteria: Ambry Variant Classification Scheme 2023. Collection method: clinical testing. Allele origin: germline.
Comment: The c.2827C>T variant (also known as p.L943L), located in coding exon 25 of the KIF1B gene, results from a C to T substitution at nucleotide position 2827. This nucleotide substitution does not change the leucine at codon 943. This nucleotide position is highly conserved in available vertebrate species. In silico splice site analysis for this alteration is inconclusive. The evidence for this gene-disease relationship is limited; therefore, the clinical significance of this alteration is unclear.